The following is an entry in ClinVar:

NM_001360.3(DHCR7):c.1090A>G (p.Thr364Ala)

Gene: DHCR7 (7-dehydrocholesterol reductase; minus strand). Cytogenetic location: 11q13.4.
Variant type: single nucleotide variant.
Coding change: c.1090A>G on transcript NM_001360.3 (MANE Select); coding-DNA position 1090, A replaced by G.
Protein change: p.Thr364Ala; replaces threonine 364 with alanine.
Molecular consequence: missense variant.
Genome position (GRCh38, 1-based): chr11:71,435,713, T>C on the plus strand (A>G on the coding strand, the complement: DHCR7 is on the minus strand). VCF-style: chr11-71435713-T-C. GRCh37 (hg19) VCF-style: chr11-71146759-T-C.
Other names: c.1090A>G, p.Thr364Ala (NM_001163817.2); short protein forms T364A.
Identifiers: ClinVar variation 427052 (VCV000427052.4), dbSNP rs1085307925, ClinGen allele CA381702076.

ClinVar aggregate classification (germline): Likely pathogenic (1 of 4 stars; one submission).

Allele frequency attached by ClinVar (database versions not stated): gnomAD exomes below 0.00001; gnomAD 0.00001.
gnomAD v4.1: 3 of 1,612,976 alleles (0.00019%); highest among the groups gnomAD compares: Admixed American, 0.005%; no homozygotes.

Submission:

GeneDx
Classification: Likely pathogenic. Last evaluated: 2025-04-03. Review status: criteria provided, single submitter. Criteria: GeneDx Variant Classification Process June 2021. Collection method: clinical testing. Allele origin: germline. Affected: yes.
Comment: Has not been previously published as pathogenic or benign to our knowledge; In silico analysis supports that this missense variant has a deleterious effect on protein structure/function; Not observed at significant frequency in large population cohorts (gnomAD)